The following is an entry in ClinVar:

NM_018006.5(TRMU):c.1072C>T (p.Gln358Ter)

Gene: TRMU (tRNA mitochondrial 2-thiouridylase; plus strand). Cytogenetic location: 22q13.31.
Variant type: single nucleotide variant.
Coding change: c.1072C>T on transcript NM_018006.5 (MANE Select); coding-DNA position 1072, C replaced by T.
Protein change: p.Gln358Ter; replaces glutamine 358 with a stop codon.
Molecular consequence: nonsense. On other transcripts: non-coding transcript variant (2), intron variant (2).
Genome position (GRCh38, 1-based): chr22:46,356,043, C>T. VCF-style: chr22-46356043-C-T. GRCh37 (hg19) VCF-style: chr22-46751940-C-T.
Other names: c.730C>T, p.Gln244Ter (NM_001282782.2); c.652C>T, p.Gln218Ter (NM_001282783.2); c.1018+455C>T (NM_001282785.2); c.598+455C>T (NM_001282784.2); short protein forms Q218*, Q244*, Q358*.
Identifiers: ClinVar variation 4815989 (VCV004815989.1).
Genomic context (GRCh38, chr22:46,356,043, plus strand): 5'-TACCCAGTGCCCTGTGTGCTGACCCTCAATCAAGATGGCACCGTGTGGGTGACAGCTGTG[C>T]AGGCTGTGCGTGCCCTTGCCACAGGACAGGTGCGTGGGGTGTGGGGGTGAGCCCGGGGAG-3'

ClinVar aggregate classification (germline): Likely pathogenic (1 of 4 stars; one submission).

Conditions:
Acute infantile liver failure due to synthesis defect of mtDNA-encoded proteins. Also called: Liver failure acute infantile; LIVER FAILURE, INFANTILE, TRANSIENT; TRMU Deficiency. Identifiers: Orphanet 217371, MedGen C3278664, MONDO:0013111, OMIM 613070.

Submission:

Natera, Inc.
Classification: Likely pathogenic for Acute infantile liver failure due to synthesis defect of mtDNA-encoded proteins. Last evaluated: 2024-12-26. Review status: criteria provided, single submitter. Criteria: Natera Variant Classification Schema (03/2026). Collection method: clinical testing. Allele origin: germline.
Comment: The c.1072C>T variant in TRMU is a nonsense variant predicted to introduce a stop codon at amino acid 358. This variant is expected to result in nonsense mediated decay, truncation, or a dysfunctional protein product. This variant is rare in the general population with a frequency below the threshold expected for the associated phenotype(s). Given the available evidence, this variant is classified as Likely Pathogenic.